The following is an entry in ClinVar:

ClinVar aggregate classification (germline): Uncertain significance (1 of 4 stars; one submission).

Conditions:
Primary immunodeficiency with post-measles-mumps-rubella vaccine viral infection. Also called: Immunodeficiency 44. Identifiers: Orphanet 431166, MedGen C4225260, MONDO:0014715, OMIM 616636.

Allele frequency attached by ClinVar (database versions not stated): gnomAD exomes below 0.00001 and 0.00001; ExAC 0.00001; gnomAD 0.00001.
gnomAD v4.1: 5 of 1,614,068 alleles (0.00031%); highest among the groups gnomAD compares: African/African-American, 0.0013%; no homozygotes.

Submission:

Labcorp Genetics (formerly Invitae), Labcorp
Classification: Uncertain significance for Primary immunodeficiency with post-measles-mumps-rubella vaccine viral infection. Last evaluated: 2022-08-21. Review status: criteria provided, single submitter. Criteria: Invitae Variant Classification Sherloc (09022015). Collection method: clinical testing. Allele origin: germline.
Comment: This sequence change replaces leucine, which is neutral and non-polar, with proline, which is neutral and non-polar, at codon 589 of the STAT2 protein (p.Leu589Pro). This variant is present in population databases (rs753344785, gnomAD 0.003%). This variant has not been reported in the literature in individuals affected with STAT2-related conditions. ClinVar contains an entry for this variant (Variation ID: 1038763). Advanced modeling of protein sequence and biophysical properties (such as structural, functional, and spatial information, amino acid conservation, physicochemical variation, residue mobility, and thermodynamic stability) performed at Invitae indicates that this missense variant is expected to disrupt STAT2 protein function. In summary, the available evidence is currently insufficient to determine the role of this variant in disease. Therefore, it has been classified as a Variant of Uncertain Significance.

NM_005419.4(STAT2):c.1766T>C (p.Leu589Pro)

Gene: STAT2 (signal transducer and activator of transcription 2; minus strand). Cytogenetic location: 12q13.3.
Variant type: single nucleotide variant.
Coding change: c.1766T>C on transcript NM_005419.4 (MANE Select); coding-DNA position 1766, T replaced by C.
Protein change: p.Leu589Pro; replaces leucine 589 with proline.
Molecular consequence: missense variant.
Genome position (GRCh38, 1-based): chr12:56,346,914, A>G on the plus strand (T>C on the coding strand, the complement: STAT2 is on the minus strand). VCF-style: chr12-56346914-A-G. GRCh37 (hg19) VCF-style: chr12-56740698-A-G.
Other names: c.1733T>C, p.Leu578Pro (NM_001385110.1); c.1667T>C, p.Leu556Pro (NM_001385111.1); c.1766T>C, p.Leu589Pro (NM_001385113.1); c.1745T>C, p.Leu582Pro (NM_001385114.1); c.1724T>C, p.Leu575Pro (NM_001385115.1); c.1754T>C, p.Leu585Pro (NM_198332.2); short protein forms L589P, L582P, L575P, L556P, L578P, L585P.
Identifiers: ClinVar variation 1038763 (VCV001038763.7), dbSNP rs753344785, ClinGen allele CA6630402.